The following continues an entry in ClinVar:

NM_000535.7(PMS2):c.2521del (p.Trp841fs)

Gene: PMS2. ClinVar aggregate classification (germline): Pathogenic/Likely pathogenic. Pathogenic (4); Likely pathogenic (4).

Submissions 8 to 9 of 9:

Women's Health and Genetics/Laboratory Corporation of America, LabCorp
Classification: Likely pathogenic for Turcot syndrome. Last evaluated: 2019-12-17. Review status: criteria provided, single submitter. Criteria: LabCorp Variant Classification Summary - May 2015. Collection method: clinical testing. Allele origin: germline.
Comment: Variant summary: PMS2 c.2521delT (p.Trp841GlyfsX10) results in a premature termination codon in the last exon of the PMS2 mRNA, predicted to cause a truncation and disrupt the last 22 amino acids (Trp841-Asn862) of the PMS2 protein. The variant was absent in 177052 control chromosomes (in gnomAD). However, the variant c.2523G>A (p.Trp841X) has been observed in 64/10632 African alleles in gnomAD, including 3 homozygotes, suggesting loss of the far end of C-terminal of PMS2 protein (the last 22 amino acids Trp841-Asn862) is likely tolerable, although the technology utilized for this dataset does not rule out pseudogene interference and thus this data might not be relied upon. It was shown in an in vitro study that the C-terminal (amino acids 675-850) region of PMS2 is critical for PMS2-MLH1 dimerization , as the interaction was lost for the tested protein fragment truncated at amino acid 825 (Guerrette 1999), suggesting the region between amino acids 825-850 is critical for PMS2-MLH1 interaction. However, from these data the impact of truncation at amino acid 841 cannot be determined for the MLH1 interaction. The variant, c.2521delT, has been reported in the literature in two individuals affected with constitutional mismatch repair deficiency (CMMRD) syndrome. In functional studies performed on lymphoblastoid cell lines (LCLs) derived from the patient carrying the variant in homozygosity, MSI (microsatellite instability) and tolerance to methylating agents could be demonstrated (while these changes couldn't be shown in LCLs from MMR-proficient controls, including Lynch syndrome patients; Bodo 2015). In another study, authors demonstrated MSI in the tumor obtained from the homozygous patient (Maletzki 2017). These results suggest that the variant is probably associated with the disease. Four clinical diagnostic laboratories have submitted clinical-significance assessments for this variant to ClinVar after 2014 without evidence for independent evaluation. Three classified as likely pathogenic/pathogenic while one classified as VUS. Based on the evidence outlined above, the variant was classified as likely pathogenic.

Department of Pathology and Laboratory Medicine, Sinai Health System
Classification: Likely pathogenic. Review status: no assertion criteria provided. Collection method: clinical testing. Allele origin: unknown. Affected: yes. Study: The Canadian Open Genetics Repository (COGR). Not counted in ClinVar's aggregate classification.
Comment: The PMS2 p.Trp841Glyfs*10 variant was not identified in the literature however it was identified in dbSNP (ID: rs886039646) as â€šÃ„ÃºWith Pathogenic alleleâ€šÃ„Ã¹, ClinVar (classified with conflicting interpretations of pathogenicity; submitters: pathogenic by Ambry Genetics, likely pathogenic by GeneDx and Invitae and uncertain significance by Integrated Genetics/Laboratory Corporation of America), and Clinvitae (3x). The variant was not identified in COGR, Cosmic, Insight Colon Cancer Gene Variant Database, Zhejiang University Database, Mismatch Repair Genes Variant Database, or Insight Hereditary Tumors Database. The variant was not identified in the following control databases: the 1000 Genomes Project, the NHLBI GO Exome Sequencing Project, the Exome Aggregation Consortium (August 8th 2016), or the Genome Aggregation Database (Feb 27, 2017). The c.2521del variant is predicted to cause a frameshift, which alters the protein's amino acid sequence beginning at codon 841 and leads to a premature stop codon 10 codons downstream. This alteration is then predicted to result in a truncated or absent protein however the variant is located at the C-term of the protein and it is unclear if this truncation would lead to nonsense mediated decay or loss of function. Notable there are no truncating variants 3â€šÃ„Ã´ of this variant listed as pathogenic in ClinVar. However studies have shown that the C-term of PMS2 is important for binding to MLH1 which is integral to PMS2 function (Kosinski 2010, Guerrette 1999). Loss of function variants of the PMS2 gene are an established mechanism of disease in Lynch syndrome and is the type of variant expected to cause the disorder. In summary, based on the above information the clinical significance of this variant cannot be determined with certainty at this time although we would lean towards a more pathogenic role for this variant. This variant is classified as likely pathogenic.

Literature cited by the submitters: PubMed 30764633 (cited by 3 submitters); PubMed 28218421 (cited by 3 submitters); PubMed 26116798 (cited by Labcorp Genetics (formerly Invitae), Labcorp and Women's Health and Genetics/Laboratory Corporation of America, LabCorp); PubMed 10037723 (cited by Labcorp Genetics (formerly Invitae), Labcorp); PubMed 16338176 (cited by Labcorp Genetics (formerly Invitae), Labcorp); PubMed 20533529 (cited by Labcorp Genetics (formerly Invitae), Labcorp); PubMed 26691941 (cited by Women's Health and Genetics/Laboratory Corporation of America, LabCorp).